The following is an entry in ClinVar:

ClinVar aggregate classification (germline): Pathogenic/Likely pathogenic. Review status: criteria provided, multiple submitters, no conflicts (2 of 4 stars). 3 submissions from 3 submitters: Pathogenic (1); Likely pathogenic (2). Last evaluated 2025-09-07.

Conditions:
Glutaric acidemia type 2C.
Multiple acyl-CoA dehydrogenase deficiency (MADD). Also called: ETHYLMALONIC-ADIPICACIDURIA; GA II; Glutaric aciduria, type 2; Glutaric acidemia type II; GA 2; Glutaric Acidemia type 2. Identifiers: Orphanet 26791, MedGen C0268596, MONDO:0009282, OMIM 231680.

gnomAD v4.1: 4 of 1,614,024 alleles (0.00025%); highest among the groups gnomAD compares: Admixed American, 0.0033%; no homozygotes.

Submissions (3):

Natera, Inc.
Classification: Likely pathogenic for Glutaric acidemia type 2C. Last evaluated: 2025-09-07. Review status: criteria provided, single submitter. Criteria: Natera Variant Classification Schema (03/2026). Collection method: clinical testing. Allele origin: germline.
Comment: The c.1073G>A variant in ETFDH is a missense variant predicted to cause substitution of arginine to lysine at amino acid 358. This variant is rare in the general population with a frequency below the threshold expected for the associated phenotype(s). This variant has been observed in one or more individuals affected with the associated recessive disease, as either homozygous or compound heterozygous with a second variant (PMID: 28685490). A different variant at the same position has been determined to be Pathogenic or Likely Pathogenic. Computational prediction algorithms indicate this variant is likely to affect gene or protein function. Given the available evidence, this variant is classified as Likely Pathogenic.

Fulgent Genetics
Classification: Likely pathogenic for Multiple acyl-CoA dehydrogenase deficiency. Last evaluated: 2022-03-02. Review status: criteria provided, single submitter. Criteria: ACMG Guidelines, 2015. Collection method: clinical testing. Allele origin: unknown.

GeneDx
Classification: Pathogenic. Last evaluated: 2013-02-04. Review status: criteria provided, single submitter. Criteria: GeneDx Variant Classification (06012015). Collection method: clinical testing. Allele origin: germline. Affected: yes.
Comment: p.Arg358Lys (AGG>AAG): c.1073 G>A in exon 9 of the ETFDH gene (NM_004453.2) R358K missense change was identified in the ETFDH gene. It has not been published as a mutation, nor has it been reported as a benign polymorphism to our knowledge. However, another missense mutation at the same position (R358S) has been reported in association with glutaric aciduria type II and was shown to result in reduced amount of ETFDH protein on Western blot analysis of patient protein extracts (Olsen et al., 2003). The Arginine at position 358 is highly conserved in the ETFDH protein. Furthermore, multiple in-silico analysis models predict that R358K is damaging to the ETFDH protein. Therefore, we interpret R358K to be a pathogenic mutation.The variant is found in MITONUC-MITOP panel(s).

Literature cited by the submitters: PubMed 28685490 (cited by Natera, Inc.).

NM_004453.4(ETFDH):c.1073G>A (p.Arg358Lys)

Gene: ETFDH (electron transfer flavoprotein dehydrogenase; plus strand). Cytogenetic location: 4q32.1.
Variant type: single nucleotide variant.
Coding change: c.1073G>A on transcript NM_004453.4 (MANE Select); coding-DNA position 1073, G replaced by A.
Protein change: p.Arg358Lys; replaces arginine 358 with lysine.
Molecular consequence: missense variant.
Genome position (GRCh38, 1-based): chr4:158,699,087, G>A. VCF-style: chr4-158699087-G-A. GRCh37 (hg19) VCF-style: chr4-159620239-G-A.
Other names: p.R358K:AGG>AAG; c.1073G>A (NM_004453.3); c.932G>A, p.Arg311Lys (NM_001281737.2); c.890G>A, p.Arg297Lys (NM_001281738.1); short protein forms R358K, R297K, R311K.
Identifiers: ClinVar variation 203720 (VCV000203720.4), dbSNP rs796051959, ClinGen allele CA312539.
Genomic context (GRCh38, chr4:158,699,087, plus strand): 5'-GAGAGTTCCAAAGGTGGAAACACCATCCTAGCATTCGGCCAACCTTGGAAGGTGGAAAAA[G>A]GATTGCATACGGAGCCAGAGCTCTCAATGAAGGTGGCTTTCAGGTAACTCTTCCAACTTT-3'
Protein context (NP_004444.2, residues 348-368): SIRPTLEGGK[Arg358Lys]IAYGARALNE